The following is an entry in ClinVar:

NM_004565.3(PEX14):c.970G>A (p.Glu324Lys)

Gene: PEX14 (peroxisomal biogenesis factor 14; plus strand). Cytogenetic location: 1p36.22.
Variant type: single nucleotide variant.
Coding change: c.970G>A on transcript NM_004565.3 (MANE Select); coding-DNA position 970, G replaced by A.
Protein change: p.Glu324Lys; replaces glutamic acid 324 with lysine.
Molecular consequence: missense variant.
Genome position (GRCh38, 1-based): chr1:10,629,823, G>A. VCF-style: chr1-10629823-G-A. GRCh37 (hg19) VCF-style: chr1-10689880-G-A.
Other names: short protein forms E324K.
Identifiers: ClinVar variation 963280 (VCV000963280.9), dbSNP rs1641863492, ClinGen allele CA338339175.

ClinVar aggregate classification (germline): Uncertain significance (1 of 4 stars; one submission).

Conditions:
Peroxisome biogenesis disorder, complementation group K (CGK). Identifiers: MedGen C1866257, MONDO:0800365.

Allele frequency attached by ClinVar (database versions not stated): gnomAD exomes below 0.00001.

Submission:

Labcorp Genetics (formerly Invitae), Labcorp
Classification: Uncertain significance for Peroxisome biogenesis disorder, complementation group K. Last evaluated: 2019-09-21. Review status: criteria provided, single submitter. Criteria: Invitae Variant Classification Sherloc (09022015). Collection method: clinical testing. Allele origin: germline.
Comment: In summary, the available evidence is currently insufficient to determine the role of this variant in disease. Therefore, it has been classified as a Variant of Uncertain Significance. Algorithms developed to predict the effect of missense changes on protein structure and function are either unavailable or do not agree on the potential impact of this missense change (SIFT: "Tolerated"; PolyPhen-2: "Possibly Damaging"; Align-GVGD: "Class C0"). This variant has not been reported in the literature in individuals with PEX14-related conditions. This variant is not present in population databases (ExAC no frequency). This sequence change replaces glutamic acid with lysine at codon 324 of the PEX14 protein (p.Glu324Lys). The glutamic acid residue is weakly conserved and there is a small physicochemical difference between glutamic acid and lysine.